The following is an entry in ClinVar:

NM_020911.2(PLXNA4):c.3112G>C (p.Glu1038Gln)

Gene: PLXNA4 (plexin A4; minus strand). Cytogenetic location: 7q32.3.
Variant type: single nucleotide variant.
Coding change: c.3112G>C on transcript NM_020911.2 (MANE Select); coding-DNA position 3112, G replaced by C.
Protein change: p.Glu1038Gln; replaces glutamic acid 1038 with glutamine.
Molecular consequence: missense variant.
Genome position (GRCh38, 1-based): chr7:132,185,345, C>G on the plus strand (G>C on the coding strand, the complement: PLXNA4 is on the minus strand). VCF-style: chr7-132185345-C-G. GRCh37 (hg19) VCF-style: chr7-131870104-C-G.
Other names: c.3112G>C, p.Glu1038Gln (NM_001393897.1); short protein forms E1038Q.
Identifiers: ClinVar variation 3054510 (VCV003054510.3), dbSNP rs200939541, ClinGen allele CA4489610.

ClinVar aggregate classification (germline): Uncertain significance (1 of 4 stars; one submission).

Conditions:
PLXNA4-related disorder. Also called: PLXNA4-related condition.

Allele frequency attached by ClinVar (database versions not stated): ExAC 0.00003; gnomAD exomes 0.00010; ESP Exome Variant Server 0.00016; gnomAD 0.00017; TOPMed 0.00017.
gnomAD v4.1: 167 of 1,613,922 alleles (0.01%); highest among the groups gnomAD compares: Non-Finnish European, 0.013%; no homozygotes.

Submission:

PreventionGenetics, part of Exact Sciences
Classification: Uncertain significance for PLXNA4-related condition. Last evaluated: 2026-08-07. Review status: criteria provided, single submitter. Criteria: ACMG Guidelines, 2015. Collection method: clinical testing. Allele origin: germline.
Comment: The PLXNA4 c.3112G>C variant is predicted to result in the amino acid substitution p.Glu1038Gln. To our knowledge, this variant has not been reported in the literature. This variant is reported in 0.012% of alleles in individuals of African descent in gnomAD. At this time, the clinical significance is uncertain due to the absence of conclusive functional and genetic evidence.